The following is an entry in ClinVar:

ClinVar aggregate classification (germline): Uncertain significance (1 of 4 stars; one submission).

Allele frequency attached by ClinVar (database versions not stated): gnomAD exomes below 0.00001.
gnomAD v4.1: 1 of 1,614,214 alleles (0.000062%); highest among the groups gnomAD compares: South Asian, 0.0011%; no homozygotes.

Submission:

Labcorp Genetics (formerly Invitae), Labcorp
Classification: Uncertain significance. Last evaluated: 2021-04-12. Review status: criteria provided, single submitter. Criteria: Invitae Variant Classification Sherloc (09022015). Collection method: clinical testing. Allele origin: germline.
Comment: This variant is not present in population databases (ExAC no frequency). In summary, the available evidence is currently insufficient to determine the role of this variant in disease. Therefore, it has been classified as a Variant of Uncertain Significance. Algorithms developed to predict the effect of missense changes on protein structure and function (SIFT, PolyPhen-2, Align-GVGD) all suggest that this variant is likely to be tolerated, but these predictions have not been confirmed by published functional studies and their clinical significance is uncertain. This variant has not been reported in the literature in individuals with VCAN-related conditions. This sequence change replaces isoleucine with valine at codon 1251 of the VCAN protein (p.Ile1251Val). The isoleucine residue is highly conserved and there is a small physicochemical difference between isoleucine and valine.

NM_004385.5(VCAN):c.3751A>G (p.Ile1251Val)

Gene: VCAN (versican; plus strand). Cytogenetic location: 5q14.3.
Variant type: single nucleotide variant.
Coding change: c.3751A>G on transcript NM_004385.5 (MANE Select); coding-DNA position 3751, A replaced by G.
Protein change: p.Ile1251Val; replaces isoleucine 1251 with valine.
Molecular consequence: missense variant. On other transcripts: intron variant (2).
Genome position (GRCh38, 1-based): chr5:83,522,057, A>G. VCF-style: chr5-83522057-A-G. GRCh37 (hg19) VCF-style: chr5-82817876-A-G.
Other names: c.3751A>G, p.Ile1251Val (NM_001164098.2); c.1042+9661A>G (NM_001164097.2, NM_001126336.3); short protein forms I1251V.
Identifiers: ClinVar variation 1460919 (VCV001460919.8), dbSNP rs1746128345, ClinGen allele CA360306735.
Genomic context (GRCh38, chr5:83,522,057, plus strand): 5'-AAGAAACCACCTCTCATCGACAGGGAACCTGGTGAAGAAACAACCAGTGACATGGTAATC[A>G]TTGGAGAATCAACATCTCATGTTCCTCCCACTACCCTTGAAGATATTGTAGCCAAGGAAA-3'
Protein context (NP_004376.2, residues 1241-1261): GEETTSDMVI[Ile1251Val]GESTSHVPPT